The following is an entry in ClinVar:

NM_001270974.2(HYDIN):c.4706A>T (p.Lys1569Ile)

Gene: HYDIN (HYDIN axonemal central pair apparatus protein; minus strand). Cytogenetic location: 16q22.2.
Variant type: single nucleotide variant.
Coding change: c.4706A>T on transcript NM_001270974.2 (MANE Select); coding-DNA position 4706, A replaced by T.
Protein change: p.Lys1569Ile; replaces lysine 1569 with isoleucine.
Molecular consequence: missense variant.
Genome position (GRCh38, 1-based): chr16:70,975,202, T>A on the plus strand (A>T on the coding strand, the complement: HYDIN is on the minus strand). VCF-style: chr16-70975202-T-A. GRCh37 (hg19) VCF-style: chr16-71009105-T-A.
Other names: short protein forms K1569I.
Identifiers: ClinVar variation 2646772 (VCV002646772.24), dbSNP rs2078853745, ClinGen allele CA396628258.

ClinVar aggregate classification (germline): Uncertain significance (1 of 4 stars; one submission).

Submission:

CeGaT Center for Human Genetics Tuebingen
Classification: Uncertain significance. Last evaluated: 2023-12-01. Review status: criteria provided, single submitter. Criteria: CeGaT Center For Human Genetics Tuebingen Variant Classification Criteria Version 2. Collection method: clinical testing. Allele origin: germline. Affected: yes. Observed: 2 variant alleles.
Comment: HYDIN: PM2, BP4